The following is an entry in ClinVar:

ClinVar aggregate classification (germline): Pathogenic (1 of 4 stars; one submission).

Submission:

Labcorp Genetics (formerly Invitae), Labcorp
Classification: Pathogenic. Last evaluated: 2023-07-31. Review status: criteria provided, single submitter. Criteria: Invitae Variant Classification Sherloc (09022015). Collection method: clinical testing. Allele origin: germline.
Comment: This sequence change creates a premature translational stop signal (p.Pro294Argfs*62) in the FOXL2 gene. While this is not anticipated to result in nonsense mediated decay, it is expected to disrupt the last 83 amino acid(s) of the FOXL2 protein. The frequency data for this variant in the population databases is considered unreliable, as metrics indicate insufficient coverage at this position in the gnomAD database. This variant has not been reported in the literature in individuals affected with FOXL2-related conditions. This variant disrupts a region of the FOXL2 protein in which other variant(s) (p.Ala304Hisfs*52) have been determined to be pathogenic (Invitae). This suggests that this is a clinically significant region of the protein, and that variants that disrupt it are likely to be disease-causing. For these reasons, this variant has been classified as Pathogenic.

NM_023067.4(FOXL2):c.881del (p.Pro294fs)

Gene: FOXL2 (forkhead box L2; minus strand). Cytogenetic location: 3q22.3.
Variant type: Deletion.
Coding change: c.881del on transcript NM_023067.4 (MANE Select); coding-DNA position 881, one base deleted (C; older notation c.881delC).
Protein change: p.Pro294fs; shifts the reading frame from proline 294.
Molecular consequence: frameshift variant.
Genome position (GRCh38, 1-based): chr3:138,945,842, G deleted on the plus strand (C on the coding strand, the reverse complement: FOXL2 is on the minus strand); the first of 2 consecutive G bases (chr3:138,945,842-138,945,843); deleting either gives the same sequence. VCF-style (leftmost placement, unchanged base first): chr3-138945841-CG-C. GRCh37 (hg19) VCF-style: chr3-138664683-CG-C.
Other names: short protein forms P294fs.
Identifiers: ClinVar variation 2748834 (VCV002748834.3), dbSNP rs2473811980, ClinGen allele CA2697556889.